The following is an entry in ClinVar:

NM_022765.4(MICAL1):c.2071-11G>A

Gene: MICAL1 (microtubule associated monooxygenase, calponin and LIM domain containing 1; minus strand). Cytogenetic location: 6q21.
Variant type: single nucleotide variant.
Coding change: c.2071-11G>A on transcript NM_022765.4 (MANE Select); 11 bases into the intron before coding-DNA position 2071, G replaced by A.
Molecular consequence: intron variant.
Genome position (GRCh38, 1-based): chr6:109,447,240, C>T on the plus strand (G>A on the coding strand, the complement: MICAL1 is on the minus strand). VCF-style: chr6-109447240-C-T. GRCh37 (hg19) VCF-style: chr6-109768443-C-T.
Other names: c.2128-11G>A (NM_001286613.2); c.1813-11G>A (NM_001159291.2).
Identifiers: ClinVar variation 4695443 (VCV004695443.1).

ClinVar aggregate classification (germline): Uncertain significance (1 of 4 stars; one submission).

gnomAD v4.1: 18 of 1,613,950 alleles (0.0011%); highest among the groups gnomAD compares: South Asian, 0.018%; no homozygotes.

Submission:

Labcorp Genetics (formerly Invitae), Labcorp
Classification: Uncertain significance. Last evaluated: 2026-01-04. Review status: criteria provided, single submitter. Criteria: Invitae Variant Classification Sherloc (09022015). Collection method: clinical testing. Allele origin: germline.
Comment: This sequence change falls in intron 16 of the MICAL1 gene. It does not directly change the encoded amino acid sequence of the MICAL1 protein. This variant is present in population databases (rs752661565, gnomAD 0.02%). This variant has not been reported in the literature in individuals affected with MICAL1-related conditions. Algorithms developed to predict the effect of sequence changes on RNA splicing suggest that this variant may disrupt the consensus splice site. In summary, the available evidence is currently insufficient to determine the role of this variant in disease. Therefore, it has been classified as a Variant of Uncertain Significance.